The following is an entry in ClinVar:

ClinVar aggregate classification (germline): Uncertain significance (1 of 4 stars; one submission).

gnomAD v4.1: 1 of 1,613,716 alleles (0.000062%); highest among the groups gnomAD compares: South Asian, 0.0011%; no homozygotes.

Submission:

Labcorp Genetics (formerly Invitae), Labcorp
Classification: Uncertain significance. Last evaluated: 2025-01-30. Review status: criteria provided, single submitter. Criteria: Invitae Variant Classification Sherloc (09022015). Collection method: clinical testing. Allele origin: germline.
Comment: This sequence change falls in intron 2 of the ASXL1 gene. It does not directly change the encoded amino acid sequence of the ASXL1 protein. It affects a nucleotide within the consensus splice site. This variant is not present in population databases (gnomAD no frequency). This variant has not been reported in the literature in individuals affected with ASXL1-related conditions. Variants that disrupt the consensus splice site are a relatively common cause of aberrant splicing (PMID: 17576681, 9536098). Algorithms developed to predict the effect of sequence changes on RNA splicing suggest that this variant is not likely to affect RNA splicing. In summary, the available evidence is currently insufficient to determine the role of this variant in disease. Therefore, it has been classified as a Variant of Uncertain Significance.

Literature cited by the submitters: PubMed 17576681; PubMed 9536098.

NM_015338.6(ASXL1):c.140+4T>C

Gene: ASXL1 (ASXL transcriptional regulator 1; plus strand). Cytogenetic location: 20q11.21.
Variant type: single nucleotide variant.
Coding change: c.140+4T>C on transcript NM_015338.6 (MANE Select); 4 bases into the intron after coding-DNA position 140, T replaced by C.
Molecular consequence: intron variant.
Genome position (GRCh38, 1-based): chr20:32,366,470, T>C. VCF-style: chr20-32366470-T-C. GRCh37 (hg19) VCF-style: chr20-30954273-T-C.
Other names: c.140+4T>C (NM_001164603.1); c.110+4T>C (NM_001363734.1).
Identifiers: ClinVar variation 3729825 (VCV003729825.2).